The following is an entry in ClinVar:

NM_000059.4(BRCA2):c.7358A>C (p.Glu2453Ala)

Gene: BRCA2 (BRCA2 DNA repair associated; plus strand). Cytogenetic location: 13q13.1.
Variant type: single nucleotide variant.
Coding change: c.7358A>C on transcript NM_000059.4 (MANE Select); coding-DNA position 7358, A replaced by C.
Protein change: p.Glu2453Ala; replaces glutamic acid 2453 with alanine.
Molecular consequence: missense variant.
Genome position (GRCh38, 1-based): chr13:32,355,211, A>C. VCF-style: chr13-32355211-A-C. GRCh37 (hg19) VCF-style: chr13-32929348-A-C.
Other names: c.7262A>C, p.Glu2421Ala (NM_001406719.1); c.7358A>C, p.Glu2453Ala (NM_001406720.1); c.2426A>C, p.Glu809Ala (NM_001406721.1); c.941A>C, p.Glu314Ala (NM_001406722.1); short protein forms E2421A, E2453A, E314A, E809A.
Identifiers: ClinVar variation 1758478 (VCV001758478.7), dbSNP rs2137558343, ClinGen allele CA387741426.

ClinVar aggregate classification (germline): Uncertain significance. Review status: criteria provided, multiple submitters, no conflicts (2 of 4 stars). 2 submissions from 2 submitters: Uncertain significance (2). Last evaluated 2022-04-02.

Conditions:
Hereditary cancer-predisposing syndrome. Also called: Neoplastic Syndromes, Hereditary; Tumor predisposition; Hereditary Cancer Syndrome; Hereditary neoplastic syndrome. Identifiers: Orphanet 140162, MedGen C0027672, MeSH D009386, MONDO:0015356.
Hereditary breast ovarian cancer syndrome. Also called: Hereditary breast and/or ovarian cancer syndrome; Hereditary breast and ovarian cancer syndrome; Breast and ovarian cancer; Hereditary breast and ovarian cancer; BRCA1- and BRCA2-Associated Hereditary Breast and Ovarian Cancer; Hereditary breast and ovarian cancer syndrome (HBOC). Identifiers: Orphanet 145, MedGen C0677776, MeSH D061325, MONDO:0003582. Disease mechanism: loss of function.

Allele frequency attached by ClinVar (database versions not stated): gnomAD exomes below 0.00001.
gnomAD v4.1: 1 of 1,613,134 alleles (0.000062%); highest among the groups gnomAD compares: East Asian, 0.0022%; no homozygotes.

Submissions (2):

Labcorp Genetics (formerly Invitae), Labcorp
Classification: Uncertain significance for Hereditary breast ovarian cancer syndrome. Last evaluated: 2022-04-02. Review status: criteria provided, single submitter. Criteria: Invitae Variant Classification Sherloc (09022015). Collection method: clinical testing. Allele origin: germline.
Comment: In summary, the available evidence is currently insufficient to determine the role of this variant in disease. Therefore, it has been classified as a Variant of Uncertain Significance. Advanced modeling of protein sequence and biophysical properties (such as structural, functional, and spatial information, amino acid conservation, physicochemical variation, residue mobility, and thermodynamic stability) performed at Invitae indicates that this missense variant is not expected to disrupt BRCA2 protein function. This variant has not been reported in the literature in individuals affected with BRCA2-related conditions. This variant is not present in population databases (gnomAD no frequency). This sequence change replaces glutamic acid, which is acidic and polar, with alanine, which is neutral and non-polar, at codon 2453 of the BRCA2 protein (p.Glu2453Ala).

Ambry Genetics
Classification: Uncertain significance for Hereditary cancer-predisposing syndrome. Last evaluated: 2020-03-20. Review status: criteria provided, single submitter. Criteria: Ambry Variant Classification Scheme 2023. Collection method: clinical testing. Allele origin: germline.
Comment: The p.E2453A variant (also known as c.7358A>C), located in coding exon 13 of the BRCA2 gene, results from an A to C substitution at nucleotide position 7358. The glutamic acid at codon 2453 is replaced by alanine, an amino acid with dissimilar properties. This amino acid position is not well conserved in available vertebrate species. In addition, this alteration is predicted to be tolerated by in silico analysis. Since supporting evidence is limited at this time, the clinical significance of this alteration remains unclear.